The following is an entry in ClinVar:

ClinVar aggregate classification (germline): Uncertain significance. Review status: criteria provided, multiple submitters, no conflicts (2 of 4 stars). 2 submissions from 2 submitters: Uncertain significance (2). Last evaluated 2025-09-11.

Conditions:
Inborn genetic diseases. Identifiers: MedGen C0950123, MeSH D030342.
Congenital myasthenic syndrome 8. Also called: MYASTHENIC SYNDROME, CONGENITAL, DUE TO AGRIN DEFICIENCY; Myasthenic syndrome, congenital, 8, with pre- and postsynaptic defects. Identifiers: Orphanet 590, MedGen C3808739, MONDO:0014052, OMIM 615120.

Allele frequency attached by ClinVar (database versions not stated): gnomAD 0.00001; gnomAD exomes 0.00001 and 0.00004; ExAC 0.00003; TOPMed 0.00003.
gnomAD v4.1: 20 of 1,568,710 alleles (0.0013%); highest among the groups gnomAD compares: Admixed American, 0.0089%; no homozygotes.

Submissions (2):

Ambry Genetics
Classification: Uncertain significance for Inborn genetic diseases. Last evaluated: 2025-09-11. Review status: criteria provided, single submitter. Criteria: Ambry Variant Classification Scheme 2023. Collection method: clinical testing. Allele origin: germline.

Labcorp Genetics (formerly Invitae), Labcorp
Classification: Uncertain significance for Congenital myasthenic syndrome 8. Last evaluated: 2020-02-17. Review status: criteria provided, single submitter. Criteria: Invitae Variant Classification Sherloc (09022015). Collection method: clinical testing. Allele origin: germline.
Comment: This sequence change replaces arginine with tryptophan at codon 1287 of the AGRN protein (p.Arg1287Trp). The arginine residue is weakly conserved and there is a moderate physicochemical difference between arginine and tryptophan. This variant is present in population databases (rs776411371, ExAC 0.03%). This variant has not been reported in the literature in individuals with AGRN-related disease. ClinVar contains an entry for this variant (Variation ID:474127). Algorithms developed to predict the effect of missense changes on protein structure and function output the following: SIFT: "Tolerated"; PolyPhen-2: "Benign"; Align-GVGD: "Class C0". The tryptophan amino acid residue is found in multiple mammalian species, suggesting that this missense change does not adversely affect protein function. These predictions have not been confirmed by published functional studies and their clinical significance is uncertain. In summary, the available evidence is currently insufficient to determine the role of this variant in disease. Therefore, it has been classified as a Variant of Uncertain Significance.

NM_198576.4(AGRN):c.3859C>T (p.Arg1287Trp)

Gene: AGRN (agrin; plus strand). Cytogenetic location: 1p36.33.
Variant type: single nucleotide variant.
Coding change: c.3859C>T on transcript NM_198576.4 (MANE Select); coding-DNA position 3859, C replaced by T.
Protein change: p.Arg1287Trp; replaces arginine 1287 with tryptophan.
Molecular consequence: missense variant.
Genome position (GRCh38, 1-based): chr1:1,048,119, C>T. VCF-style: chr1-1048119-C-T. GRCh37 (hg19) VCF-style: chr1-983499-C-T.
Other names: c.3859C>T, p.Arg1287Trp (NM_001305275.2); c.3544C>T, p.Arg1182Trp (NM_001364727.2); short protein forms R1287W, R1182W.
Identifiers: ClinVar variation 474127 (VCV000474127.8), dbSNP rs776411371, ClinGen allele CA509263.